The following is an entry in ClinVar:

ClinVar aggregate classification (germline): Uncertain significance (1 of 4 stars; one submission).

Conditions:
Early-infantile DEE. Also called: Ohtahara syndrome; Early infantile epileptic encephalopathy with suppression bursts; Early infantile epileptic encephalopathy. Identifiers: Orphanet 1934, MedGen C0393706, MONDO:0800491.

Submission:

Labcorp Genetics (formerly Invitae), Labcorp
Classification: Uncertain significance for Early-infantile DEE. Last evaluated: 2021-04-17. Review status: criteria provided, single submitter. Criteria: Invitae Variant Classification Sherloc (09022015). Collection method: clinical testing. Allele origin: germline.
Comment: In summary, the available evidence is currently insufficient to determine the role of this variant in disease. Therefore, it has been classified as a Variant of Uncertain Significance. Advanced modeling of protein sequence and biophysical properties (such as structural, functional, and spatial information, amino acid conservation, physicochemical variation, residue mobility, and thermodynamic stability) performed at Invitae indicates that this missense variant is not expected to disrupt KCNH5 protein function. This variant has not been reported in the literature in individuals with KCNH5-related conditions. This variant is not present in population databases (ExAC no frequency). This sequence change replaces leucine with serine at codon 163 of the KCNH5 protein (p.Leu163Ser). The leucine residue is moderately conserved and there is a large physicochemical difference between leucine and serine.

NM_139318.5(KCNH5):c.488T>C (p.Leu163Ser)

Gene: KCNH5 (potassium voltage-gated channel subfamily H member 5; minus strand). Cytogenetic location: 14q23.2.
Variant type: single nucleotide variant.
Coding change: c.488T>C on transcript NM_139318.5 (MANE Select); coding-DNA position 488, T replaced by C.
Protein change: p.Leu163Ser; replaces leucine 163 with serine.
Molecular consequence: missense variant.
Genome position (GRCh38, 1-based): chr14:62,987,133, A>G on the plus strand (T>C on the coding strand, the complement: KCNH5 is on the minus strand). VCF-style: chr14-62987133-A-G. GRCh37 (hg19) VCF-style: chr14-63453851-A-G.
Other names: c.488T>C, p.Leu163Ser (NM_172375.3); short protein forms L163S.
Identifiers: ClinVar variation 1422410 (VCV001422410.9), dbSNP rs2139575303, ClinGen allele CA390104818.